The following is an entry in ClinVar:

ClinVar aggregate classification (germline): Likely pathogenic (1 of 4 stars; one submission).

Conditions:
Usher syndrome type 2A. Also called: RETINAL DISEASE IN USHER SYNDROME TYPE IIA, MODIFIER OF; USHER SYNDROME, TYPE IIA. Identifiers: Orphanet 231178, Orphanet 886, MedGen C1848634, MONDO:0010169, OMIM 276901.

Submission:

Myriad Genetics, Inc.
Classification: Likely pathogenic for Usher syndrome type 2A. Last evaluated: 2022-02-22. Review status: criteria provided, single submitter. Criteria: Myriad Women's Health Autosomal Recessive and X-Linked Classification Criteria (2021). Collection method: clinical testing. Allele origin: unknown.
Comment: NM_206933.2(USH2A):c.4206_4207insC(S1403Lfs*2) is expected to be pathogenic in the context of USH2A-related disorders. This variant is predicted to lead to an abnormal or absent protein product due to the creation of a premature termination codon in USH2A, a gene where loss-of-function variants are known to be pathogenic. Please note: this variant was assessed in the context of healthy population screening.

NM_206933.4(USH2A):c.4206_4207insC (p.Ser1403fs)

Genes: USH2A (usherin; minus strand), USH2A-AS1 (USH2A antisense RNA 1; plus strand). Cytogenetic location: 1q41.
Variant type: Insertion.
Coding change: c.4206_4207insC on transcript NM_206933.4 (MANE Select); coding-DNA positions 4206 to 4207, C inserted.
Protein change: p.Ser1403fs; shifts the reading frame from serine 1403.
Molecular consequence: frameshift variant.
Genome position: GRCh38 VCF-style: chr1-216196597-A-AG. GRCh37 (hg19) VCF-style: chr1-216369939-A-AG.
Other names: c.4206_4207insC, p.Ser1403fs (NM_007123.6); short protein forms S1403fs.
Identifiers: ClinVar variation 1724620 (VCV001724620.2), dbSNP rs2528035466, ClinGen allele CA2580062103.